The following is an entry in ClinVar:

NM_001114134.2(EPB42):c.330G>A (p.Ala110=)

Gene: EPB42 (erythrocyte membrane protein band 4.2; minus strand). Cytogenetic location: 15q15.2.
Variant type: single nucleotide variant.
Coding change: c.330G>A on transcript NM_001114134.2 (MANE Select); coding-DNA position 330, G replaced by A.
Protein change: p.Ala110=; no amino-acid change (alanine 110 retained).
Molecular consequence: synonymous variant.
Genome position (GRCh38, 1-based): chr15:43,215,195, C>T on the plus strand (G>A on the coding strand, the complement: EPB42 is on the minus strand). VCF-style: chr15-43215195-C-T. GRCh37 (hg19) VCF-style: chr15-43507393-C-T.
Other names: p.Ala140=; c.420G>A, p.Ala140= (NM_000119.3).
Identifiers: ClinVar variation 255153 (VCV000255153.30), dbSNP rs1042168, ClinGen allele CA7520636.

ClinVar aggregate classification (germline): Benign. Review status: criteria provided, multiple submitters, no conflicts (2 of 4 stars). 7 submissions from 7 submitters: Benign (7). Last evaluated 2026-01-28.

Conditions:
Hereditary spherocytosis type 5. Also called: EPB42-Related Spherocytosis; EPB42-Related Hereditary Spherocytosis. Identifiers: Orphanet 822, MedGen C2675192, MONDO:0012985, OMIM 612690.

Allele frequency attached by ClinVar (database versions not stated): gnomAD exomes 0.00434 and 0.01209; ExAC 0.01420; gnomAD 0.03672 and 0.03903; ESP Exome Variant Server 0.03960; TOPMed 0.04165; 1000 Genomes Project 0.04253; 1000 Genomes Project 30x 0.04497.
gnomAD v4.1: 12,430 of 1,614,172 alleles (0.77%); highest among the groups gnomAD compares: African/African-American, 12%; 644 homozygotes.

Submissions (7):

Labcorp Genetics (formerly Invitae), Labcorp
Classification: Benign. Last evaluated: 2026-01-28. Review status: criteria provided, single submitter. Criteria: Invitae Variant Classification Sherloc (09022015). Collection method: clinical testing. Allele origin: germline.

ARUP Laboratories, Molecular Genetics and Genomics, ARUP Laboratories
Classification: Benign for Hereditary spherocytosis type 5. Last evaluated: 2025-07-25. Review status: criteria provided, single submitter. Criteria: ARUP Molecular Germline Variant Investigation Process 2024. Collection method: clinical testing. Allele origin: germline.

Mayo Clinic Laboratories, Mayo Clinic
Classification: Benign. Last evaluated: 2022-05-17. Review status: criteria provided, single submitter. Criteria: ACMG Guidelines, 2015. Collection method: clinical testing. Allele origin: germline. Observed: 115 variant alleles.
Comment: BS1, BS2

GeneDx
Classification: Benign. Last evaluated: 2018-11-11. Review status: criteria provided, single submitter. Criteria: GeneDx Variant Classification Process June 2021. Collection method: clinical testing. Allele origin: germline. Affected: yes.

Illumina Laboratory Services, Illumina
Classification: Benign for Hereditary spherocytosis type 5. Last evaluated: 2018-01-12. Review status: criteria provided, single submitter. Criteria: ICSL Variant Classification Criteria 13 December 2019. Collection method: clinical testing. Allele origin: germline.
Comment: This variant was observed in the ICSL laboratory as part of a predisposition screen in an ostensibly healthy population. It had not been previously curated by ICSL or reported in the Human Gene Mutation Database (HGMD: prior to June 1st, 2018), and was therefore a candidate for classification through an automated scoring system. Utilizing variant allele frequency, disease prevalence and penetrance estimates, and inheritance mode, an automated score was calculated to assess if this variant is too frequent to cause the disease. Based on the score and internal cut-off values, a variant classified as benign is not then subjected to further curation. The score for this variant resulted in a classification of benign for this disease.

Breakthrough Genomics
Classification: Benign. Review status: criteria provided, single submitter. Criteria: ACMG Guidelines, 2015. Collection method: not provided. Allele origin: germline. Inheritance: Unknown mechanism. Affected: yes.

PreventionGenetics, part of Exact Sciences
Classification: Benign. Review status: criteria provided, single submitter. Criteria: ACMG Guidelines, 2015. Collection method: clinical testing. Allele origin: germline.